The following is an entry in ClinVar:

ClinVar aggregate classification (germline): Conflicting classifications of pathogenicity. Review status: criteria provided, conflicting classifications (1 of 4 stars). 2 submissions from 2 submitters: Uncertain significance (1); Likely benign (1). Last evaluated 2025-10-08.

Conditions:
Fabry disease. Also called: Angiokeratoma corporis diffusum; Ceramide trihexosidosis; Fabry's disease; ALPHA-GALACTOSIDASE A DEFICIENCY; ANDERSON-FABRY DISEASE; CERAMIDE TRIHEXOSIDASE DEFICIENCY. Identifiers: Orphanet 324, MedGen C0002986, MONDO:0010526, OMIM 301500, HP:0001071. Disease mechanism: Fabry disease is due to inactivating mutations in the X-linked GLA gene resulting in deficiency of the enzyme Alpha Galactosidase-A., loss of function.

Allele frequency attached by ClinVar (database versions not stated): TOPMed 0.00001.

Submissions (2):

Labcorp Genetics (formerly Invitae), Labcorp
Classification: Likely benign for Fabry disease. Last evaluated: 2025-10-08. Review status: criteria provided, single submitter. Criteria: Invitae Variant Classification Sherloc (09022015). Collection method: clinical testing. Allele origin: germline.

All of Us Research Program, National Institutes of Health
Classification: Uncertain significance for Fabry disease. Last evaluated: 2023-08-15. Review status: criteria provided, single submitter. Criteria: ACMG Guidelines, 2015. Collection method: clinical testing. Allele origin: germline. Inheritance: X-linked inheritance. Observed: 2 variant alleles, 1 heterozygote, 1 homozygote.
Comment: This variant causes a G to A nucleotide substitution at the -9 position of intron 6 of the GLA gene. To our knowledge, functional studies have not been reported for this variant. This variant has not been reported in individuals affected with GLA-related disorders in the literature. This variant has not been identified in the general population by the Genome Aggregation Database (gnomAD). The available evidence is insufficient to determine the role of this variant in disease conclusively. Therefore, this variant is classified as a Variant of Uncertain Significance.

This study involves interpretation of variants in research participants for the purpose of population health screening. Participant phenotype was not available at the time of variant classification. Additional details can be found in publication PMID: 35346344, PMCID: PMC8962531

NM_000169.3(GLA):c.1000-9G>A

Genes: GLA (galactosidase alpha; minus strand), RPL36A-HNRNPH2 (RPL36A-HNRNPH2 readthrough; plus strand). Cytogenetic location: Xq22.1.
Variant type: single nucleotide variant.
Coding change: c.1000-9G>A on transcript NM_000169.3 (MANE Select); 9 bases into the intron before coding-DNA position 1000, G replaced by A.
Molecular consequence: intron variant.
Genome position (GRCh38, 1-based): chrX:101,398,108, C>T on the plus strand (G>A on the coding strand, the complement: GLA is on the minus strand). VCF-style: chrX-101398108-C-T. GRCh37 (hg19) VCF-style: chrX-100653096-C-T.
Other names: c.300+2651C>T (NM_001199973.2); c.177+6286C>T (NM_001199974.2); c.1123-9G>A (NM_001406747.1).
Identifiers: ClinVar variation 1116655 (VCV001116655.18), dbSNP rs1928143594, ClinGen allele CA2448297857.